The following is an entry in ClinVar:

ClinVar aggregate classification (germline): Uncertain significance. Review status: criteria provided, multiple submitters, no conflicts (2 of 4 stars). 2 submissions from 2 submitters: Uncertain significance (2). Last evaluated 2026-01-06.

Conditions:
Inborn genetic diseases. Identifiers: MedGen C0950123, MeSH D030342.

Allele frequency attached by ClinVar (database versions not stated): gnomAD 0.00001 and 0.00002; ExAC 0.00002; gnomAD exomes 0.00002; TOPMed 0.00002; 1000 Genomes Project 30x 0.00016; 1000 Genomes Project 0.00020.
gnomAD v4.1: 33 of 1,613,864 alleles (0.002%); highest among the groups gnomAD compares: Non-Finnish European, 0.0024%; no homozygotes.

Submissions (2):

Labcorp Genetics (formerly Invitae), Labcorp
Classification: Uncertain significance. Last evaluated: 2026-01-06. Review status: criteria provided, single submitter. Criteria: Invitae Variant Classification Sherloc (09022015). Collection method: clinical testing. Allele origin: germline.
Comment: This sequence change replaces arginine, which is basic and polar, with leucine, which is neutral and non-polar, at codon 132 of the DUOX2 protein (p.Arg132Leu). This variant is present in population databases (rs202200643, gnomAD 0.005%). This variant has not been reported in the literature in individuals affected with DUOX2-related conditions. ClinVar contains an entry for this variant (Variation ID: 1488143). Invitae Evidence Modeling of protein sequence and biophysical properties (such as structural, functional, and spatial information, amino acid conservation, physicochemical variation, residue mobility, and thermodynamic stability) indicates that this missense variant is not expected to disrupt DUOX2 protein function with a negative predictive value of 80%. In summary, the available evidence is currently insufficient to determine the role of this variant in disease. Therefore, it has been classified as a Variant of Uncertain Significance.

Ambry Genetics
Classification: Uncertain significance for Inborn genetic diseases. Last evaluated: 2023-12-20. Review status: criteria provided, single submitter. Criteria: Ambry Variant Classification Scheme 2023. Collection method: clinical testing. Allele origin: germline.

NM_001363711.2(DUOX2):c.395G>T (p.Arg132Leu)

Gene: DUOX2 (dual oxidase 2; minus strand). Cytogenetic location: 15q21.1.
Variant type: single nucleotide variant.
Coding change: c.395G>T on transcript NM_001363711.2 (MANE Select); coding-DNA position 395, G replaced by T.
Protein change: p.Arg132Leu; replaces arginine 132 with leucine.
Molecular consequence: missense variant.
Genome position (GRCh38, 1-based): chr15:45,111,886, C>A on the plus strand (G>T on the coding strand, the complement: DUOX2 is on the minus strand). VCF-style: chr15-45111886-C-A. GRCh37 (hg19) VCF-style: chr15-45404084-C-A.
Other names: c.395G>T (NM_014080.4); c.395G>T, p.Arg132Leu (NM_014080.5); short protein forms R132L.
Identifiers: ClinVar variation 1488143 (VCV001488143.8), dbSNP rs202200643, ClinGen allele CA7538965.
Genomic context (GRCh38, chr15:45,111,886, plus strand): 5'-AAGGGCAGCACCACGTCCCCGCGCTGGTCGGGGTCGAACACGGGGTCTCCAGGTGGGATG[C>A]GGATGTTGAGGAACTCGGCGGGGCAACCGGGCGTTTCCACGCTCACCACGTCGGAAAGAA-3'
Protein context (NP_001350640.1, residues 122-142): PGCPAEFLNI[Arg132Leu]IPPGDPVFDP